The following is an entry in ClinVar:

NM_000202.8(IDS):c.1300G>A (p.Glu434Lys)

Gene: IDS (iduronate 2-sulfatase; minus strand). Cytogenetic location: Xq28.
Variant type: single nucleotide variant.
Coding change: c.1300G>A on transcript NM_000202.8 (MANE Select); coding-DNA position 1300, G replaced by A.
Protein change: p.Glu434Lys; replaces glutamic acid 434 with lysine.
Molecular consequence: missense variant.
Genome position (GRCh38, 1-based): chrX:149,483,099, C>T on the plus strand (G>A on the coding strand, the complement: IDS is on the minus strand). VCF-style: chrX-149483099-C-T. GRCh37 (hg19) VCF-style: chrX-148564630-C-T.
Other names: c.1030G>A, p.Glu344Lys (NM_001166550.4); short protein forms E344K, E434K.
Identifiers: ClinVar variation 1803773 (VCV001803773.4), dbSNP rs2520757198, ClinGen allele CA414518392.

ClinVar aggregate classification (germline): Likely pathogenic. Review status: criteria provided, single submitter (1 of 4 stars). 2 submissions from 2 submitters: Likely pathogenic (1). 1 of the submissions does not count toward it. Last evaluated 2024-06-07.

Conditions:
Mucopolysaccharidosis, MPS-II (MPS2). Also called: Mucopolysaccharidosis with skin involvement; IDS deficiency; Sulfoiduronate sulfatase deficiency; SIDS deficiency; Attenuated MPS (subtype; formerly known as mild MPS II); Severe MPS II. Identifiers: Orphanet 580, Orphanet 79388, MedGen C0026705, MONDO:0010674, OMIM 309900.

Submissions (2):

Laboratory of Diagnosis and Therapy of Lysosomal Disorders, University of Padova
Classification: Likely pathogenic for Mucopolysaccharidosis, MPS-II. Last evaluated: 2024-06-07. Review status: criteria provided, single submitter. Criteria: ACMG Guidelines, 2015. Collection method: literature only. Allele origin: germline. Affected: yes. Observed: 1 variant allele.
Comment: Absent from controls (or at low frequency) in gnomAD database (PM2_Moderate), Missense variant in a gene with a low rate of benign missense variation (PP2_Supporting), Multiple lines of computational evidence support a deleterious effect (PP3_Supporting), Patient’s phenotype or family history highly specific for the disease (PP4_Strong)

Classification method: ACMG Guidelines [PMID:25741868] with modifications

Serv. Biochemistry and Molecular genetics, Hospital Clinic de Barcelona, Hospital Clínic de Barcelona
Classification: Pathogenic for Mucopolysaccharidosis, MPS-II. Last evaluated: 2022-11-23. Review status: no assertion criteria provided. Collection method: research, in vitro. Allele origin: maternal, not applicable. Inheritance: X-linked recessive inheritance. Affected: yes. Observed: 2 variant alleles, 2 hemizygotes. Not counted in ClinVar's aggregate classification.
Comment: The c.1300G>A (p.Glu434Lys) was detected in hemizygosity in two affected brothers. The two boys showed excretion of dermatan and heparant in urine, both show clinical phenotype of MPS II. In the lab we analysed the iduronate-2-sulfatase activity in blood spots and it was 0,6 micromol/Lxh (control range 3.2-8.6). Because of these reasons we consider the variant as pathogenic.

Literature cited by the submitters: PubMed 9875019 (cited by Laboratory of Diagnosis and Therapy of Lysosomal Disorders, University of Padova).